The following is an entry in ClinVar:

NC_012920.1(MT-CO1):m.6109T>C

Gene: MT-CO1 (mitochondrially encoded cytochrome c oxidase I; plus strand).
Variant type: single nucleotide variant.
Genome position: chrM-6109-T-C.
Identifiers: ClinVar variation 692620 (VCV000692620.1), dbSNP rs1603220275, ClinGen allele CA414781784.

ClinVar aggregate classification (germline): Uncertain significance (1 of 4 stars; one submission).

Conditions:
Leigh syndrome (NULS). Also called: Leigh's necrotizing encephalopathy; Leigh's disease; Leigh Syndrome (mtDNA deletion); Leigh Disease; Subacute necrotizing encephalopathy; Necrotizing encephalopathy infantile subacute of Leigh. Identifiers: Orphanet 506, MedGen C2931891, MONDO:0009723, OMIM 256000.

Submission:

Wong Mito Lab, Molecular and Human Genetics, Baylor College of Medicine
Classification: Uncertain significance for Leigh syndrome. Last evaluated: 2019-10-17. Review status: criteria provided, single submitter. Criteria: Modified ACMG Guidelines (Unpublished). Collection method: clinical testing. Allele origin: germline.
Comment: The NC_012920.1:m.6109T>C (YP_003024028.1:p.Met69Thr) variant in MTCO1 gene is interpretated to be a Uncertain Significance variant based on the modified ACMG guidelines (unpublished). This variant meets the following evidence codes: PP4